The following is an entry in ClinVar:

NM_001083116.3(PRF1):c.55G>A (p.Val19Ile)

Gene: PRF1 (perforin 1; minus strand). Cytogenetic location: 10q22.1.
Variant type: single nucleotide variant.
Coding change: c.55G>A on transcript NM_001083116.3 (MANE Select); coding-DNA position 55, G replaced by A.
Protein change: p.Val19Ile; replaces valine 19 with isoleucine.
Molecular consequence: missense variant.
Genome position (GRCh38, 1-based): chr10:70,600,848, C>T on the plus strand (G>A on the coding strand, the complement: PRF1 is on the minus strand). VCF-style: chr10-70600848-C-T. GRCh37 (hg19) VCF-style: chr10-72360604-C-T.
Other names: c.55G>A, p.Val19Ile (NM_005041.6); short protein forms V19I.
Identifiers: ClinVar variation 300336 (VCV000300336.9), dbSNP rs772896823, ClinGen allele CA5539140.

ClinVar aggregate classification (germline): Uncertain significance. Review status: criteria provided, multiple submitters, no conflicts (2 of 4 stars). 2 submissions from 2 submitters: Uncertain significance (2). Last evaluated 2022-07-06.

Conditions:
Familial hemophagocytic lymphohistiocytosis 2 (FHL2). Also called: PRF1-Related Familial Hemophagocytic Lymphohistiocytosis (PRF1-fHLH). Identifiers: Orphanet 540, MedGen C1863727, MONDO:0011337, OMIM 603553.

Allele frequency attached by ClinVar (database versions not stated): ExAC 0.00001; gnomAD 0.00001; TOPMed 0.00001; gnomAD exomes 0.00002 and 0.00003.
gnomAD v4.1: 39 of 1,610,224 alleles (0.0024%); highest among the groups gnomAD compares: East Asian, 0.0045%; no homozygotes.

Submissions (2):

Labcorp Genetics (formerly Invitae), Labcorp
Classification: Uncertain significance for Familial hemophagocytic lymphohistiocytosis 2. Last evaluated: 2022-07-06. Review status: criteria provided, single submitter. Criteria: Invitae Variant Classification Sherloc (09022015). Collection method: clinical testing. Allele origin: germline.
Comment: This sequence change replaces valine, which is neutral and non-polar, with isoleucine, which is neutral and non-polar, at codon 19 of the PRF1 protein (p.Val19Ile). This variant is present in population databases (rs772896823, gnomAD 0.006%). This variant has not been reported in the literature in individuals affected with PRF1-related conditions. ClinVar contains an entry for this variant (Variation ID: 300336). Algorithms developed to predict the effect of missense changes on protein structure and function output the following: SIFT: "Tolerated"; PolyPhen-2: "Benign"; Align-GVGD: "Class C0". The isoleucine amino acid residue is found in multiple mammalian species, which suggests that this missense change does not adversely affect protein function. In summary, the available evidence is currently insufficient to determine the role of this variant in disease. Therefore, it has been classified as a Variant of Uncertain Significance.

Illumina Laboratory Services, Illumina
Classification: Uncertain significance for Familial hemophagocytic lymphohistiocytosis 2. Last evaluated: 2018-01-13. Review status: criteria provided, single submitter. Criteria: ICSL Variant Classification Criteria 13 December 2019. Collection method: clinical testing. Allele origin: germline.